The following is an entry in ClinVar:

ClinVar aggregate classification (germline): Uncertain significance (1 of 4 stars; one submission).

Submission:

Ambry Genetics
Classification: Uncertain significance. Last evaluated: 2026-06-14. Review status: criteria provided, single submitter. Criteria: Ambry Variant Classification Scheme 2023. Collection method: clinical testing. Allele origin: germline.
Comment: The p.V755F variant (also known as c.2263G>T), located in coding exon 10 of the WNK2 gene, results from a G to T substitution at nucleotide position 2263. The valine at codon 755 is replaced by phenylalanine, an amino acid with highly similar properties. This amino acid position is conserved. In addition, this alteration is predicted to be tolerated by in silico analysis. Based on the available evidence, the clinical significance of this variant remains unclear.

NM_006648.4(WNK2):c.2263G>T (p.Val755Phe)

Gene: WNK2 (WNK lysine deficient protein kinase 2; plus strand). Cytogenetic location: 9q22.31.
Variant type: single nucleotide variant.
Coding change: c.2263G>T on transcript NM_006648.4 (MANE Select); coding-DNA position 2263, G replaced by T.
Protein change: p.Val755Phe; replaces valine 755 with phenylalanine.
Molecular consequence: missense variant.
Genome position (GRCh38, 1-based): chr9:93,257,020, G>T. VCF-style: chr9-93257020-G-T. GRCh37 (hg19) VCF-style: chr9-96019302-G-T.
Other names: c.2263G>T, p.Val755Phe (NM_001282394.3); short protein forms V755F.
Identifiers: ClinVar variation 4866762 (VCV004866762.1).